The following is an entry in ClinVar:

ClinVar aggregate classification (germline): Likely benign (0 of 4 stars; one submission).

Conditions:
PROX1-related disorder. Also called: PROX1-related condition.

Allele frequency attached by ClinVar (database versions not stated): gnomAD 0.00019; TOPMed 0.00024; ExAC 0.00034; 1000 Genomes Project 30x 0.00094; 1000 Genomes Project 0.00100.
gnomAD v4.1: 479 of 1,614,116 alleles (0.03%); highest among the groups gnomAD compares: East Asian, 1%; 1 homozygote.

Submission:

PreventionGenetics, part of Exact Sciences
Classification: Likely benign for PROX1-related condition. Last evaluated: 2019-12-16. Review status: no assertion criteria provided. Collection method: clinical testing. Allele origin: germline.
Comment: This variant is classified as likely benign based on ACMG/AMP sequence variant interpretation guidelines (Richards et al. 2015 PMID: 25741868, with internal and published modifications).

NM_001270616.2(PROX1):c.912A>C (p.Pro304=)

Gene: PROX1 (prospero homeobox 1; plus strand). Cytogenetic location: 1q32.3.
Variant type: single nucleotide variant.
Coding change: c.912A>C on transcript NM_001270616.2 (MANE Select); coding-DNA position 912, A replaced by C.
Protein change: p.Pro304=; no amino-acid change (proline 304 retained).
Molecular consequence: synonymous variant.
Genome position (GRCh38, 1-based): chr1:213,997,447, A>C. VCF-style: chr1-213997447-A-C. GRCh37 (hg19) VCF-style: chr1-214170790-A-C.
Other names: c.912A>C, p.Pro304= (NM_002763.5).
Identifiers: ClinVar variation 3049248 (VCV003049248.2), dbSNP rs188226653, ClinGen allele CA1387930.